The following is an entry in ClinVar:

NM_001035.3(RYR2):c.13229T>A (p.Val4410Asp)

Genes: RYR2 (ryanodine receptor 2; plus strand), LOC126806068 (BRD4-independent group 4 enhancer GRCh37_chr1:237947411-237948610; plus strand). Cytogenetic location: 1q43.
Variant type: single nucleotide variant.
Coding change: c.13229T>A on transcript NM_001035.3 (MANE Select); coding-DNA position 13229, T replaced by A.
Protein change: p.Val4410Asp; replaces valine 4410 with aspartic acid.
Molecular consequence: missense variant.
Genome position (GRCh38, 1-based): chr1:237,784,941, T>A. VCF-style: chr1-237784941-T-A. GRCh37 (hg19) VCF-style: chr1-237948241-T-A.
Other names: short protein forms V4410D.
Identifiers: ClinVar variation 4758935 (VCV004758935.1).
Genomic context (GRCh38, chr1:237,784,941, plus strand): 5'-AGTACAAACTGATTCCTCATAATCCAAATGCTGGGCTCAGTGACCTCATGAGCAACCCAG[T>A]CCCCATGCCTGAGGTGCAGGAAAAATTTCAGGTAATTTATCTCTAAGTCACAGCAGCATT-3'
Protein context (NP_001026.2, residues 4400-4420): AGLSDLMSNP[Val4410Asp]PMPEVQEKFQ

ClinVar aggregate classification (germline): Uncertain significance (1 of 4 stars; one submission).

Conditions:
Cardiomyopathy (CMYO). Also called: Cardiomyopathies. Identifiers: Orphanet 167848, MedGen C0878544, MONDO:0004994, HP:0001638. Inheritance: Various modes of inheritance.

gnomAD v4.1: 2 of 1,602,714 alleles (0.00012%); highest among the groups gnomAD compares: Non-Finnish European, 0.00017%; no homozygotes.

Submission:

Color Diagnostics, LLC DBA Color Health
Classification: Uncertain significance for Cardiomyopathy. Last evaluated: 2025-07-08. Review status: criteria provided, single submitter. Criteria: ACMG Guidelines, 2015. Collection method: clinical testing. Allele origin: germline.
Comment: This missense variant replaces valine with aspartic acid at codon 4410 of the RYR2 protein. Computational prediction suggests that this variant may not impact protein structure and function. To our knowledge, functional studies have not been reported for this variant. This variant has not been reported in individuals affected with RYR2-related disorders in the literature. This variant has not been identified in the general population by the Genome Aggregation Database (gnomAD). The available evidence is insufficient to determine the role of this variant in disease conclusively. Therefore, this variant is classified as a Variant of Uncertain Significance.